The following is an entry in ClinVar:

NM_001346249.2(RALGAPA1):c.1741C>A (p.Gln581Lys)

Gene: RALGAPA1 (Ral GTPase activating protein catalytic subunit alpha 1; minus strand). Cytogenetic location: 14q13.2.
Variant type: single nucleotide variant.
Coding change: c.1741C>A on transcript NM_001346249.2 (MANE Select); coding-DNA position 1741, C replaced by A.
Protein change: p.Gln581Lys; replaces glutamine 581 with lysine.
Molecular consequence: missense variant.
Genome position (GRCh38, 1-based): chr14:35,725,149, G>T on the plus strand (C>A on the coding strand, the complement: RALGAPA1 is on the minus strand). VCF-style: chr14-35725149-G-T. GRCh37 (hg19) VCF-style: chr14-36194355-G-T.
Other names: c.1741C>A, p.Gln581Lys (NM_001283043.3, NM_001283044.3, NM_001330075.3 and 7 more transcripts); short protein forms Q581K.
Identifiers: ClinVar variation 3731321 (VCV003731321.1).

ClinVar aggregate classification (germline): Uncertain significance (1 of 4 stars; one submission).

Conditions:
Neurodevelopmental disorder with hypotonia, neonatal respiratory insufficiency, and thermodysregulation. Identifiers: MedGen C5394091, MONDO:0032921, OMIM 618797.

Submission:

Neuberg Centre For Genomic Medicine, NCGM
Classification: Uncertain significance for Neurodevelopmental disorder with hypotonia, neonatal respiratory insufficiency, and thermodysregulation. Review status: criteria provided, single submitter. Criteria: ACMG Guidelines, 2015. Collection method: clinical testing. Allele origin: germline. Inheritance: Autosomal recessive inheritance. Affected: yes.
Comment: The missense c.1741C>A (p.Gln581Lys) variant in RALGAPA1 gene has not been reported previously as a pathogenic variant nor as a benign variant, to our knowledge. The p.Gln581Lys variant is absent in gnomAD Exomes. This variant has not been submitted to the ClinVar database. Multiple lines of computational evidence (Polyphen - Probably damaging, SIFT - Damaging and MutationTaster - Disease causing) predict a damaging effect on protein structure and function for this variant. The reference amino acid at this position in RALGAPA1 is predicted as conserved by GERP++ and PhyloP across 100 vertebrates. The amino acid Gln at position 581 is changed to a Lys changing protein sequence and it might alter its composition and physico-chemical properties. For these reasons, this variant has been classified as a Variant of Uncertain Significance (VUS).